The following is an entry in ClinVar:

NM_032608.7(MYO18B):c.539C>A (p.Thr180Asn)

Gene: MYO18B (myosin XVIIIB; plus strand). Cytogenetic location: 22q12.1.
Variant type: single nucleotide variant.
Coding change: c.539C>A on transcript NM_032608.7 (MANE Select); coding-DNA position 539, C replaced by A.
Protein change: p.Thr180Asn; replaces threonine 180 with asparagine.
Molecular consequence: missense variant.
Genome position (GRCh38, 1-based): chr22:25,768,455, C>A. VCF-style: chr22-25768455-C-A. GRCh37 (hg19) VCF-style: chr22-26164422-C-A.
Other names: c.539C>A, p.Thr180Asn (NM_001318245.2); c.539C>A (NM_032608.5); short protein forms T180N.
Identifiers: ClinVar variation 1966805 (VCV001966805.5), dbSNP rs1213414922, ClinGen allele CA411002110.

ClinVar aggregate classification (germline): Uncertain significance. Review status: criteria provided, multiple submitters, no conflicts (2 of 4 stars). 2 submissions from 2 submitters: Uncertain significance (2). Last evaluated 2023-12-11.

Conditions:
Inborn genetic diseases. Identifiers: MedGen C0950123, MeSH D030342.

gnomAD v4.1: 4 of 1,237,934 alleles (0.00032%); highest among the groups gnomAD compares: Non-Finnish European, 0.00047%; no homozygotes.

Submissions (2):

Ambry Genetics
Classification: Uncertain significance for Inborn genetic diseases. Last evaluated: 2023-12-11. Review status: criteria provided, single submitter. Criteria: Ambry Variant Classification Scheme 2023. Collection method: clinical testing. Allele origin: germline.

Labcorp Genetics (formerly Invitae), Labcorp
Classification: Uncertain significance. Last evaluated: 2022-06-27. Review status: criteria provided, single submitter. Criteria: Invitae Variant Classification Sherloc (09022015). Collection method: clinical testing. Allele origin: germline.
Comment: In summary, the available evidence is currently insufficient to determine the role of this variant in disease. Therefore, it has been classified as a Variant of Uncertain Significance. Algorithms developed to predict the effect of missense changes on protein structure and function are either unavailable or do not agree on the potential impact of this missense change (SIFT: "Not Available"; PolyPhen-2: "Benign"; Align-GVGD: "Not Available"). This variant has not been reported in the literature in individuals affected with MYO18B-related conditions. This variant is not present in population databases (gnomAD no frequency). This sequence change replaces threonine, which is neutral and polar, with asparagine, which is neutral and polar, at codon 180 of the MYO18B protein (p.Thr180Asn).